The following is an entry in ClinVar:

NM_174936.4(PCSK9):c.122T>A (p.Leu41Gln)

Gene: PCSK9 (proprotein convertase subtilisin/kexin type 9; plus strand). Cytogenetic location: 1p32.3.
Variant type: single nucleotide variant.
Coding change: c.122T>A on transcript NM_174936.4 (MANE Select); coding-DNA position 122, T replaced by A.
Protein change: p.Leu41Gln; replaces leucine 41 with glutamine.
Molecular consequence: missense variant. On other transcripts: 5 prime UTR variant (1), non-coding transcript variant (8).
Genome position (GRCh38, 1-based): chr1:55,039,959, T>A. VCF-style: chr1-55039959-T-A. GRCh37 (hg19) VCF-style: chr1-55505632-T-A.
Other names: c.122T>A, p.Leu41Gln (NM_001407240.1, NM_001407241.1, NM_001407242.1 and 4 more transcripts); c.-613T>A (NM_001407246.1); short protein forms L41Q.
Identifiers: ClinVar variation 2561479 (VCV002561479.8), dbSNP rs550263135, ClinGen allele CA036030.
Genomic context (GRCh38, chr1:55,039,959, plus strand): 5'-TGCTCCTGGGTCCCGCGGGCGCCCGTGCGCAGGAGGACGAGGACGGCGACTACGAGGAGC[T>A]GGTGCTAGCCTTGCGTTCCGAGGAGGACGGCCTGGCCGAAGCACCCGAGCACGGAACCAC-3'
Protein context (NP_777596.2, residues 31-51): QEDEDGDYEE[Leu41Gln]VLALRSEEDG

ClinVar aggregate classification (germline): Uncertain significance. Review status: criteria provided, multiple submitters, no conflicts (2 of 4 stars). 5 submissions from 5 submitters: Uncertain significance (5). Last evaluated 2025-12-01.

Conditions:
Cardiovascular phenotype. Identifiers: MedGen CN230736.
Hypercholesterolemia, autosomal dominant, 3 (FHCL3). Also called: PCSK9-Related Familial Hypercholesterolemia, Autosomal Dominant; Familial hypercholesterolemia 3; Familial Hypercholesterolemia, Autosomal Dominant, 3. Identifiers: MedGen C1863551, MONDO:0011369, OMIM 603776.

Allele frequency attached by ClinVar (database versions not stated): gnomAD exomes below 0.00001; TOPMed below 0.00001; gnomAD 0.00001; 1000 Genomes Project 0.00020; 1000 Genomes Project 30x 0.00031.
gnomAD v4.1: 4 of 1,578,124 alleles (0.00025%); highest among the groups gnomAD compares: African/African-American, 0.0054%; no homozygotes.

Submissions (5):

Women's Health and Genetics/Laboratory Corporation of America, LabCorp
Classification: Uncertain significance. Last evaluated: 2025-12-01. Review status: criteria provided, single submitter. Criteria: LabCorp Variant Classification Summary - May 2015. Collection method: clinical testing. Allele origin: germline.
Comment: Variant summary: PCSK9 c.122T>A (p.Leu41Gln) results in a non-conservative amino acid change in the encoded protein sequence. Algorithms developed to predict the effect of missense changes on protein structure and function are either unavailable or do not agree on the potential impact of this missense change. The variant allele was found at a frequency of 5.2e-06 in 192610 control chromosomes (gnomAD). The available data on variant occurrences in the general population are insufficient to allow any conclusion about variant significance. c.122T>A has been observed in an individual affected with Hypercholesterolemia (Wintjens_2016). This report does not provide unequivocal conclusions about association of the variant with Familial Hypercholesterolemia. To our knowledge, no experimental evidence demonstrating an impact on protein function has been reported. The following publication has been ascertained in the context of this evaluation (PMID: 26802169). ClinVar contains an entry for this variant (Variation ID: 2561479). Based on the evidence outlined above, the variant was classified as uncertain significance.

Labcorp Genetics (formerly Invitae), Labcorp
Classification: Uncertain significance for Hypercholesterolemia, autosomal dominant, 3. Last evaluated: 2025-03-13. Review status: criteria provided, single submitter. Criteria: Invitae Variant Classification Sherloc (09022015). Collection method: clinical testing. Allele origin: germline.
Comment: This sequence change replaces leucine, which is neutral and non-polar, with glutamine, which is neutral and polar, at codon 41 of the PCSK9 protein (p.Leu41Gln). This variant is present in population databases (rs550263135, gnomAD 0.01%). This missense change has been observed in individuals with familial hypercholesterolemia (PMID: 26802169; internal data). ClinVar contains an entry for this variant (Variation ID: 2561479). Invitae Evidence Modeling of protein sequence and biophysical properties (such as structural, functional, and spatial information, amino acid conservation, physicochemical variation, residue mobility, and thermodynamic stability) has been performed for this missense variant. However, the output from this modeling did not meet the statistical confidence thresholds required to predict the impact of this variant on PCSK9 protein function. In summary, the available evidence is currently insufficient to determine the role of this variant in disease. Therefore, it has been classified as a Variant of Uncertain Significance.

GeneDx
Classification: Uncertain significance. Last evaluated: 2024-06-24. Review status: criteria provided, single submitter. Criteria: GeneDx Variant Classification Process June 2021. Collection method: clinical testing. Allele origin: germline. Affected: yes.
Comment: Identified in cohort of patients with autosomal dominant hypercholesterolemia who also harbored a second variant in PCSK9 (phase unknown) (PMID: 26802169); Not observed at significant frequency in large population cohorts (gnomAD); In silico analysis indicates that this missense variant does not alter protein structure/function; This variant is associated with the following publications: (PMID: 26802169)

All of Us Research Program, National Institutes of Health
Classification: Uncertain significance for Hypercholesterolemia, autosomal dominant, 3. Last evaluated: 2023-12-01. Review status: criteria provided, single submitter. Criteria: ACMG Guidelines, 2015. Collection method: clinical testing. Allele origin: germline. Inheritance: Autosomal dominant inheritance. Observed: 1 variant allele, 1 heterozygote.
Comment: This study involves interpretation of variants in research participants for the purpose of population health screening. Participant phenotype was not available at the time of variant classification. Additional details can be found in publication PMID: 35346344, PMCID: PMC8962531

Ambry Genetics
Classification: Uncertain significance for Cardiovascular phenotype. Last evaluated: 2023-05-26. Review status: criteria provided, single submitter. Criteria: Ambry Variant Classification Scheme 2023. Collection method: clinical testing. Allele origin: germline.
Comment: The p.L41Q variant (also known as c.122T>A), located in coding exon 1 of the PCSK9 gene, results from a T to A substitution at nucleotide position 122. The leucine at codon 41 is replaced by glutamine, an amino acid with dissimilar properties. This alteration has been reported in a familial hypercholesterolemia (FH) cohort (Wintjens R et al. J Lipid Res, 2016 Mar;57:482-91). This amino acid position is well conserved in available vertebrate species. In addition, this alteration is predicted to be tolerated by in silico analysis. Since supporting evidence is limited at this time, the clinical significance of this alteration remains unclear.

Literature cited by the submitters: PubMed 26802169 (cited by 3 submitters).